The following is an entry in ClinVar:

ClinVar aggregate classification (germline): Likely pathogenic (1 of 4 stars; one submission).

Conditions:
Cone-rod dystrophy 13 (CORD13). Identifiers: Orphanet 1872, MedGen C2750720, MONDO:0011987, OMIM 608194.
Leber congenital amaurosis 6 (LCA6). Identifiers: Orphanet 65, MedGen C1854260, MONDO:0013446, OMIM 613826.

Submission:

Labcorp Genetics (formerly Invitae), Labcorp
Classification: Likely pathogenic for Leber congenital amaurosis 6; Cone-rod dystrophy 13. Last evaluated: 2019-11-07. Review status: criteria provided, single submitter. Criteria: Invitae Variant Classification Sherloc (09022015). Collection method: clinical testing. Allele origin: germline.
Comment: In summary, the currently available evidence indicates that the variant is pathogenic, but additional data are needed to prove that conclusively. Therefore, this variant has been classified as Likely Pathogenic. Loss-of-function variants in RPGRIP1 are known to be pathogenic (PMID: 11528500, 23105016). This variant has not been reported in the literature in individuals with RPGRIP1-related conditions. This variant results in a copy number gain of the genomic region encompassing exons 10-19 of the RPGRIP1 gene. While the exact position of this variant cannot be determined from this data, sub-genic copy number gains are generally in tandem (PMID: 25640679) and may result in an absent or disrupted protein product.

Literature cited by the submitters: PubMed 11528500; PubMed 23105016; PubMed 25640679.

NC_000014.9:g.(?_21317696)_(21330387_?)dup

Gene: RPGRIP1 (RPGR interacting protein 1; plus strand). Cytogenetic location: 14q11.2.
Variant type: Duplication.
Identifiers: ClinVar variation 833414 (VCV000833414.5).